The following is an entry in ClinVar:

ClinVar aggregate classification (germline): Pathogenic. Review status: criteria provided, multiple submitters, no conflicts (2 of 4 stars). 2 submissions from 2 submitters: Pathogenic (2). Last evaluated 2023-05-01.

Conditions:
Hereditary cancer-predisposing syndrome. Also called: Hereditary Cancer Syndrome; Hereditary neoplastic syndrome; Neoplastic Syndromes, Hereditary; Tumor predisposition. Identifiers: Orphanet 140162, MedGen C0027672, MeSH D009386, MONDO:0015356.
Familial adenomatous polyposis 1 (FAP1). Also called: FAMILIAL ADENOMATOUS POLYPOSIS 1, ATTENUATED; POLYPOSIS, ADENOMATOUS INTESTINAL. Identifiers: MedGen C2713442, MONDO:0021056, OMIM 175100. Disease mechanism: loss of function.

Submissions (2):

Myriad Genetics, Inc.
Classification: Pathogenic for Familial adenomatous polyposis 1. Last evaluated: 2023-05-01. Review status: criteria provided, single submitter. Criteria: Myriad Autosomal Dominant, Autosomal Recessive and X-Linked Classification Criteria (2023). Collection method: clinical testing. Allele origin: unknown.
Comment: This variant is considered pathogenic. This variant creates a frameshift predicted to result in premature protein truncation.

Ambry Genetics
Classification: Pathogenic for Hereditary cancer-predisposing syndrome. Last evaluated: 2023-01-13. Review status: criteria provided, single submitter. Criteria: Ambry Variant Classification Scheme 2023. Collection method: clinical testing. Allele origin: germline.
Comment: The c.1486dupA pathogenic mutation, located in coding exon 11 of the APC gene, results from a duplication of A at nucleotide position 1486, causing a translational frameshift with a predicted alternate stop codon (p.T496Nfs*41). This alteration is expected to result in loss of function by premature protein truncation or nonsense-mediated mRNA decay. As such, this alteration is interpreted as a disease-causing mutation.

NM_000038.6(APC):c.1486dup (p.Thr496fs)

Gene: APC (APC regulator of Wnt signaling pathway; plus strand). Cytogenetic location: 5q22.2.
Variant type: Duplication.
Coding change: c.1486dup on transcript NM_000038.6 (MANE Select); coding-DNA position 1486, one base duplicated (A; older notation c.1486dupA).
Protein change: p.Thr496fs; shifts the reading frame from threonine 496.
Molecular consequence: frameshift variant.
Genome position (GRCh38, 1-based): chr5:112,827,185, A duplicated. VCF-style (leftmost placement, unchanged base first): chr5-112827184-T-TA. GRCh37 (hg19) VCF-style: chr5-112162881-T-TA.
Other names: c.1486dup, p.Thr496fs (NM_001127510.3, NM_001354895.2); c.1432dup, p.Thr478fs (NM_001127511.3); c.1540dup, p.Thr514fs (NM_001354896.2); c.1516dup, p.Thr506fs (NM_001354897.2); c.1411dup, p.Thr471fs (NM_001354898.2); c.1402dup, p.Thr468fs (NM_001354899.2); c.1363dup, p.Thr455fs (NM_001354900.2); c.1309dup, p.Thr437fs (NM_001354901.2); and 16 more; short protein forms T213fs, T370fs, T471fs, T496fs, T395fs, T405fs, T437fs, T478fs.
Identifiers: ClinVar variation 1773674 (VCV001773674.5), dbSNP rs2533197933, ClinGen allele CA2580072278.